The following is an entry in ClinVar:

ClinVar aggregate classification (germline): Benign. Review status: criteria provided, multiple submitters, no conflicts (2 of 4 stars). 8 submissions from 5 submitters: Benign (8). Last evaluated 2026-02-04.

Conditions:
Hearing loss, autosomal dominant 37. Also called: DEAFNESS, AUTOSOMAL DOMINANT 37. Identifiers: MedGen C4760307, MONDO:0032802, OMIM 618533.
Fibrochondrogenesis 1 (FBCG1). Identifiers: Orphanet 2021, MedGen C3278138, MONDO:0009226, OMIM 228520.
Stickler syndrome type 2 (STL2). Also called: STICKLER SYNDROME, BEADED VITREOUS TYPE; STICKLER SYNDROME, VITREOUS TYPE 2; STICKLER SYNDROME, TYPE II; COL11A1-Related Stickler Syndrome. Identifiers: Orphanet 828, Orphanet 90654, MedGen C1858084, MONDO:0011493, OMIM 604841.
Marshall syndrome (MRSHS). Identifiers: Orphanet 560, MedGen C0265235, MONDO:0007949, OMIM 154780.

Submissions (8):

Labcorp Genetics (formerly Invitae), Labcorp
Classification: Benign. Last evaluated: 2026-02-04. Review status: criteria provided, single submitter. Criteria: Invitae Variant Classification Sherloc (09022015). Collection method: clinical testing. Allele origin: germline.

Blueprint Genetics
Classification: Benign. Last evaluated: 2024-11-26. Review status: criteria provided, single submitter. Criteria: ACMG Guidelines, 2015. Collection method: clinical testing. Allele origin: germline.

Molecular Genetics, Royal Melbourne Hospital
Classification: Benign for Stickler syndrome type 2. Last evaluated: 2023-05-04. Review status: criteria provided, single submitter. Criteria: ACMG Guidelines, 2015. Collection method: clinical testing. Allele origin: germline. Affected: yes.
Comment: East Asian population allele frequency is 51.89% (rs34228277, 7250/12548 alleles, 1028 homozygotes in gnomAD v2.1). Based on the classification scheme RMH Modified ACMG/AMP Guidelines v1.1.0, this variant is classified as BENIGN. Following criteria are met: BA1

Genome-Nilou Lab
Classification: Benign for Hearing loss, autosomal dominant 37. Last evaluated: 2021-07-22. Review status: criteria provided, single submitter. Criteria: ACMG Guidelines, 2015. Collection method: clinical testing. Allele origin: germline. Affected: no.

Genome-Nilou Lab
Classification: Benign for Fibrochondrogenesis 1. Last evaluated: 2021-07-22. Review status: criteria provided, single submitter. Criteria: ACMG Guidelines, 2015. Collection method: clinical testing. Allele origin: germline. Affected: no.

Genome-Nilou Lab
Classification: Benign for Marshall syndrome. Last evaluated: 2021-07-22. Review status: criteria provided, single submitter. Criteria: ACMG Guidelines, 2015. Collection method: clinical testing. Allele origin: germline. Affected: no.

Genome-Nilou Lab
Classification: Benign for Stickler syndrome type 2. Last evaluated: 2021-07-22. Review status: criteria provided, single submitter. Criteria: ACMG Guidelines, 2015. Collection method: clinical testing. Allele origin: germline. Affected: no.

GeneDx
Classification: Benign. Last evaluated: 2017-11-01. Review status: criteria provided, single submitter. Criteria: GeneDx Variant Classification (06012015). Collection method: clinical testing. Allele origin: germline. Affected: yes.
Comment: This variant is considered likely benign or benign based on one or more of the following criteria: it is a conservative change, it occurs at a poorly conserved position in the protein, it is predicted to be benign by multiple in silico algorithms, and/or has population frequency not consistent with disease.

NM_001854.4(COL11A1):c.3817-13dup

Gene: COL11A1 (collagen type XI alpha 1 chain; minus strand). Cytogenetic location: 1p21.1.
Variant type: Duplication.
Coding change: c.3817-13dup on transcript NM_001854.4 (MANE Select); 13 bases into the intron before coding-DNA position 3817, one base duplicated (T; older notation c.3817-13dupT).
Molecular consequence: intron variant.
Genome position (GRCh38, 1-based): chr1:102,914,824, A duplicated on the plus strand (T on the coding strand, the reverse complement: COL11A1 is on the minus strand); the first of 13 consecutive A bases (chr1:102,914,824-102,914,836); duplicating any one gives the same sequence. VCF-style (leftmost placement, unchanged base first): chr1-102914823-T-TA. GRCh37 (hg19) VCF-style: chr1-103380379-T-TA.
Other names: c.3853-13dupT (NM_080629.3); c.3700-13dup (NM_001190709.2); c.3853-13dup (NM_080629.3); c.3469-13dup (NM_080630.4); c.3817-25dup (NM_001854.4).
Identifiers: ClinVar variation 516177 (VCV000516177.15), dbSNP rs34228277, ClinGen allele CA973807.
Genomic context (GRCh38, chr1:102,914,823, plus strand): 5'-CTCCAGGTGGACCAGCTTCCCCTTTCTCTCCTCTTTCTCCTTTGGGACCCTAAACAATGT[T>TA]AAAAAAAAAAAAAGAAGAAGAAGGAAAGAAGAGTTATCTTACAAGTTTTGCATAAAAGTT-3'